The following is an entry in ClinVar:

NM_004104.5(FASN):c.5053ATCGCC[3] (p.1685IA[3])

Gene: FASN (fatty acid synthase; minus strand). Cytogenetic location: 17q25.3.
Variant type: Microsatellite.
Coding change: c.5053ATCGCC[3] on transcript NM_004104.5 (MANE Select); three copies in a row of the 6-base unit ATCGCC starting at c.5053; the reference has two copies in a row; one copy, 6 bases duplicated.
Protein change: p.1685IA[3].
Molecular consequence: inframe insertion.
Genome position (GRCh38, 1-based): chr17:82,084,009-82,084,014, GGCGAT duplicated on the plus strand (ATCGCC on the coding strand, the reverse complement: FASN is on the minus strand); duplicating any 6 consecutive bases within chr17:82,084,009-82,084,024 gives the same sequence; the position shown is the placement nearest the transcript's 3' end. VCF-style (leftmost placement, unchanged base first): chr17-82084008-G-GGGCGAT. GRCh37 (hg19) VCF-style: chr17-80041884-G-GGGCGAT.
Identifiers: ClinVar variation 1378955 (VCV001378955.8), dbSNP rs2034040691, ClinGen allele CA2580613264.

ClinVar aggregate classification (germline): Uncertain significance (1 of 4 stars; one submission).

Conditions:
Epileptic encephalopathy. Identifiers: MedGen C0543888, HP:0200134.

Submission:

Labcorp Genetics (formerly Invitae), Labcorp
Classification: Uncertain significance for Epileptic encephalopathy. Last evaluated: 2022-11-15. Review status: criteria provided, single submitter. Criteria: Invitae Variant Classification Sherloc (09022015). Collection method: clinical testing. Allele origin: germline.
Comment: In summary, the available evidence is currently insufficient to determine the role of this variant in disease. Therefore, it has been classified as a Variant of Uncertain Significance. Experimental studies and prediction algorithms are not available or were not evaluated, and the functional significance of this variant is currently unknown. This variant has not been reported in the literature in individuals affected with FASN-related conditions. This variant is not present in population databases (gnomAD no frequency). This variant, c.5059_5064dup, results in the insertion of 2 amino acid(s) of the FASN protein (p.Ile1687_Ala1688dup), but otherwise preserves the integrity of the reading frame.